The following is an entry in ClinVar:

ClinVar aggregate classification (germline): Uncertain significance. Review status: criteria provided, multiple submitters, no conflicts (2 of 4 stars). 6 submissions from 6 submitters: Uncertain significance (6). Last evaluated 2025-12-24.

Conditions:
Neuroblastoma, susceptibility to, 3. Also called: ALK-Related Neuroblastic Tumor Susceptibility. Identifiers: Orphanet 635, MedGen C2751681, MONDO:0013083, OMIM 613014.
Hereditary cancer-predisposing syndrome. Also called: Tumor predisposition; Hereditary neoplastic syndrome; Hereditary Cancer Syndrome; Neoplastic Syndromes, Hereditary. Identifiers: Orphanet 140162, MedGen C0027672, MeSH D009386, MONDO:0015356.

Allele frequency attached by ClinVar (database versions not stated): gnomAD exomes 0.00001; TOPMed 0.00001; gnomAD 0.00002 and 0.00001; 1000 Genomes Project 30x 0.00031; 1000 Genomes Project 0.00020; ExAC 0.00002.
gnomAD v4.1: 26 of 1,614,246 alleles (0.0016%); highest among the groups gnomAD compares: Non-Finnish European, 0.0021%; no homozygotes.

Submissions (6):

Labcorp Genetics (formerly Invitae), Labcorp
Classification: Uncertain significance for Neuroblastoma, susceptibility to, 3. Last evaluated: 2025-12-24. Review status: criteria provided, single submitter. Criteria: Invitae Variant Classification Sherloc (09022015). Collection method: clinical testing. Allele origin: germline.
Comment: This sequence change replaces leucine, which is neutral and non-polar, with glutamine, which is neutral and polar, at codon 868 of the ALK protein (p.Leu868Gln). This variant is present in population databases (rs55941323, gnomAD 0.002%). This variant has not been reported in the literature in individuals affected with ALK-related conditions. ClinVar contains an entry for this variant (Variation ID: 335700). An algorithm developed to predict the effect of missense changes on protein structure and function (PolyPhen-2) suggests that this variant is likely to be disruptive. In summary, the available evidence is currently insufficient to determine the role of this variant in disease. Therefore, it has been classified as a Variant of Uncertain Significance.

GeneDx
Classification: Uncertain significance. Last evaluated: 2025-05-05. Review status: criteria provided, single submitter. Criteria: GeneDx Variant Classification Process June 2021. Collection method: clinical testing. Allele origin: germline.
Comment: Not observed at significant frequency in large population cohorts (gnomAD); In silico analysis suggests that this missense variant does not alter protein structure/function; Has not been previously published as pathogenic or benign to our knowledge

Ambry Genetics
Classification: Uncertain significance for Hereditary cancer-predisposing syndrome. Last evaluated: 2025-03-05. Review status: criteria provided, single submitter. Criteria: Ambry Variant Classification Scheme 2023. Collection method: clinical testing. Allele origin: germline.
Comment: The p.L868Q variant (also known as c.2603T>A), located in coding exon 15 of the ALK gene, results from a T to A substitution at nucleotide position 2603. The leucine at codon 868 is replaced by glutamine, an amino acid with dissimilar properties. This amino acid position is not well conserved in available vertebrate species. In addition, this alteration is predicted to be tolerated by in silico analysis. Based on the available evidence, the clinical significance of this variant remains unclear.

Baylor Genetics
Classification: Uncertain significance for Neuroblastoma, susceptibility to, 3. Last evaluated: 2024-03-13. Review status: criteria provided, single submitter. Criteria: ACMG Guidelines, 2015. Collection method: clinical testing. Allele origin: unknown.

Illumina Laboratory Services, Illumina
Classification: Uncertain significance for Neuroblastoma, susceptibility to, 3. Last evaluated: 2018-01-13. Review status: criteria provided, single submitter. Criteria: ICSL Variant Classification Criteria 13 December 2019. Collection method: clinical testing. Allele origin: germline.

Breakthrough Genomics
Classification: Uncertain significance. Review status: criteria provided, single submitter. Criteria: ACMG Guidelines, 2015. Collection method: not provided. Allele origin: germline. Inheritance: Unknown mechanism. Affected: yes.

NM_004304.5(ALK):c.2603T>A (p.Leu868Gln)

Gene: ALK (ALK receptor tyrosine kinase; minus strand). Cytogenetic location: 2p23.2.
Variant type: single nucleotide variant.
Coding change: c.2603T>A on transcript NM_004304.5 (MANE Select); coding-DNA position 2603, T replaced by A.
Protein change: p.Leu868Gln; replaces leucine 868 with glutamine.
Molecular consequence: missense variant.
Genome position (GRCh38, 1-based): chr2:29,232,333, A>T on the plus strand (T>A on the coding strand, the complement: ALK is on the minus strand). VCF-style: chr2-29232333-A-T. GRCh37 (hg19) VCF-style: chr2-29455199-A-T.
Other names: short protein forms L868Q.
Identifiers: ClinVar variation 335700 (VCV000335700.15), dbSNP rs55941323, ClinGen allele CA1594255.